The following is an entry in ClinVar:

NM_005477.3(HCN4):c.2451dup (p.Gly818fs)

Gene: HCN4 (hyperpolarization activated cyclic nucleotide gated potassium channel 4; minus strand). Cytogenetic location: 15q24.1.
Variant type: Duplication.
Coding change: c.2451dup on transcript NM_005477.3 (MANE Select); coding-DNA position 2451, one base duplicated (C; older notation c.2451dupC).
Protein change: p.Gly818fs; shifts the reading frame from glycine 818.
Molecular consequence: frameshift variant.
Genome position (GRCh38, 1-based): chr15:73,323,642, G duplicated on the plus strand (C on the coding strand, the reverse complement: HCN4 is on the minus strand). VCF-style (leftmost placement, unchanged base first): chr15-73323641-C-CG. GRCh37 (hg19) VCF-style: chr15-73615982-C-CG.
Other names: short protein forms G818fs.
Identifiers: ClinVar variation 4718020 (VCV004718020.1).

ClinVar aggregate classification (germline): Uncertain significance (1 of 4 stars; one submission).

Conditions:
Brugada syndrome 8 (BRGDA8). Identifiers: Orphanet 130, MedGen C2751083, MONDO:0013148, OMIM 613123.

Submission:

Labcorp Genetics (formerly Invitae), Labcorp
Classification: Uncertain significance for Brugada syndrome 8. Last evaluated: 2025-04-20. Review status: criteria provided, single submitter. Criteria: Invitae Variant Classification Sherloc (09022015). Collection method: clinical testing. Allele origin: germline.
Comment: This sequence change creates a premature translational stop signal (p.Gly818Argfs*154) in the HCN4 gene. While this is not anticipated to result in nonsense mediated decay, it is expected to disrupt the last 386 amino acid(s) of the HCN4 protein. This variant is not present in population databases (gnomAD no frequency). This variant has not been reported in the literature in individuals affected with HCN4-related conditions. Experimental studies and prediction algorithms are not available or were not evaluated, and the functional significance of this variant is currently unknown. In summary, the available evidence is currently insufficient to determine the role of this variant in disease. Therefore, it has been classified as a Variant of Uncertain Significance.